The following is an entry in ClinVar:

ClinVar aggregate classification (germline): Uncertain significance (1 of 4 stars; one submission).

Submission:

GeneDx
Classification: Uncertain significance. Last evaluated: 2023-01-03. Review status: criteria provided, single submitter. Criteria: GeneDx Variant Classification Process June 2021. Collection method: clinical testing. Allele origin: germline. Affected: yes.
Comment: Not observed at significant frequency in large population cohorts (gnomAD); In silico analysis supports that this missense variant has a deleterious effect on protein structure/function; Has not been previously published as pathogenic or benign to our knowledge

NM_001385012.1(NBEA):c.7610T>C (p.Leu2537Pro)

Gene: NBEA (neurobeachin; plus strand). Cytogenetic location: 13q13.3.
Variant type: single nucleotide variant.
Coding change: c.7610T>C on transcript NM_001385012.1 (MANE Select); coding-DNA position 7610, T replaced by C.
Protein change: p.Leu2537Pro; replaces leucine 2537 with proline.
Molecular consequence: missense variant.
Genome position (GRCh38, 1-based): chr13:35,628,241, T>C. VCF-style: chr13-35628241-T-C. GRCh37 (hg19) VCF-style: chr13-36202378-T-C.
Other names: c.989T>C, p.Leu330Pro (NM_001204197.3); c.7601T>C, p.Leu2534Pro (NM_001379245.1); c.7610T>C, p.Leu2537Pro (NM_015678.5); short protein forms L2534P, L2537P, L330P.
Identifiers: ClinVar variation 2507048 (VCV002507048.1), dbSNP rs2549940806, ClinGen allele CA387988175.